The following is an entry in ClinVar:

NM_000535.7(PMS2):c.1406_1408delinsAAT (p.Arg469_Pro470delinsLysSer)

Gene: PMS2 (PMS1 homolog 2, mismatch repair system component; minus strand). Cytogenetic location: 7p22.1.
Variant type: Indel.
Coding change: c.1406_1408delinsAAT on transcript NM_000535.7 (MANE Select); coding-DNA positions 1406 to 1408, GAC replaced by AAT.
Protein change: p.Arg469_Pro470delinsLysSer.
Molecular consequence: missense variant. On other transcripts: non-coding transcript variant (1).
Genome position (GRCh38, 1-based): chr7:5,987,357-5,987,359, GTC replaced by ATT on the plus strand (GAC replaced by AAT on the coding strand, the reverse complement: PMS2 is on the minus strand). VCF-style: chr7-5987357-GTC-ATT. GRCh37 (hg19) VCF-style: chr7-6026988-GTC-ATT.
Other names: c.1001_1003delGACinsAAT, p.Arg334_Pro335delinsLysSer (NM_001018040.1, NM_001406887.1, NM_001406888.1 and 13 more transcripts); c.1001_1003delinsAAT, p.Arg334_Pro335delinsLysSer (NM_001322003.2, NM_001322004.2, NM_001322005.2 and 1 more transcripts); c.1250_1252delinsAAT, p.Arg417_Pro418delinsLysSer (NM_001322006.2); c.1088_1090delinsAAT, p.Arg363_Pro364delinsLysSer (NM_001322007.2, NM_001322008.2); c.845_847delinsAAT, p.Arg282_Pro283delinsLysSer (NM_001322010.2); c.473_475delinsAAT, p.Arg158_Pro159delinsLysSer (NM_001322011.2, NM_001322012.2); c.833_835delinsAAT, p.Arg278_Pro279delinsLysSer (NM_001322013.2); c.1406_1408delinsAAT, p.Arg469_Pro470delinsLysSer (NM_001322014.2); and 19 more.
Identifiers: ClinVar variation 1771897 (VCV001771897.3), dbSNP rs2535796143, ClinGen allele CA2580076962.

ClinVar aggregate classification (germline): Uncertain significance (1 of 4 stars; one submission).

Conditions:
Hereditary cancer-predisposing syndrome. Also called: Hereditary Cancer Syndrome; Hereditary neoplastic syndrome; Neoplastic Syndromes, Hereditary; Tumor predisposition. Identifiers: Orphanet 140162, MedGen C0027672, MeSH D009386, MONDO:0015356.

Submission:

Ambry Genetics
Classification: Uncertain significance for Hereditary cancer-predisposing syndrome. Last evaluated: 2025-06-20. Review status: criteria provided, single submitter. Criteria: Ambry Variant Classification Scheme 2023. Collection method: clinical testing. Allele origin: germline.
Comment: The c.1406_1408delGACinsAAT variant (also known as p.R469_P470delinsKS), located in coding exon 11 of the PMS2 gene, results from an in-frame deletion of GAC and insertion of AAT at nucleotide positions 1406 to 1408. This results in the substitution of the arginine and proline residues for a lysine and a serine residue at codon 469 and 470. This amino acid region is poorly conserved in available vertebrate species. In addition, this alteration is predicted to be neutral by in silico analysis (Choi Y et al. PLoS ONE. 2012; 7(10):e46688). Based on the available evidence, the clinical significance of this variant remains unclear.